The following is an entry in ClinVar:

ClinVar aggregate classification (germline): Uncertain significance (1 of 4 stars; one submission).

Conditions:
Fanconi anemia complementation group J. Also called: BRIP1-Related Fanconi Anemia. Identifiers: Orphanet 84, MedGen C1836860, MONDO:0012187, OMIM 609054.
Familial cancer of breast. Also called: BREAST CANCER, FAMILIAL; Hereditary breast cancer; hereditary breast carcinoma. Identifiers: Orphanet 227535, MedGen C0346153, MONDO:0016419, OMIM 114480. Disease mechanism: loss of function.

Submission:

Labcorp Genetics (formerly Invitae), Labcorp
Classification: Uncertain significance for Familial cancer of breast; Fanconi anemia complementation group J. Last evaluated: 2022-10-08. Review status: criteria provided, single submitter. Criteria: Invitae Variant Classification Sherloc (09022015). Collection method: clinical testing. Allele origin: germline.
Comment: ClinVar contains an entry for this variant (Variation ID: 1045507). This variant has not been reported in the literature in individuals affected with BRIP1-related conditions. This variant is not present in population databases (gnomAD no frequency). This sequence change replaces methionine, which is neutral and non-polar, with threonine, which is neutral and polar, at codon 4 of the BRIP1 protein (p.Met4Thr). Advanced modeling of protein sequence and biophysical properties (such as structural, functional, and spatial information, amino acid conservation, physicochemical variation, residue mobility, and thermodynamic stability) performed at Invitae indicates that this missense variant is not expected to disrupt BRIP1 protein function. In summary, the available evidence is currently insufficient to determine the role of this variant in disease. Therefore, it has been classified as a Variant of Uncertain Significance.

NM_032043.3(BRIP1):c.11T>C (p.Met4Thr)

Gene: BRIP1 (BRCA1 interacting DNA helicase 1; minus strand). Cytogenetic location: 17q23.2.
Variant type: single nucleotide variant.
Coding change: c.11T>C on transcript NM_032043.3 (MANE Select); coding-DNA position 11, T replaced by C.
Protein change: p.Met4Thr; replaces methionine 4 with threonine.
Molecular consequence: missense variant.
Genome position (GRCh38, 1-based): chr17:61,861,529, A>G on the plus strand (T>C on the coding strand, the complement: BRIP1 is on the minus strand). VCF-style: chr17-61861529-A-G. GRCh37 (hg19) VCF-style: chr17-59938890-A-G.
Other names: short protein forms M4T.
Identifiers: ClinVar variation 1045507 (VCV001045507.9), dbSNP rs2078973570, ClinGen allele CA400486082.